The following is an entry in ClinVar:

ClinVar aggregate classification (germline): Uncertain significance (1 of 4 stars; one submission).

Submission:

GeneDx
Classification: Uncertain significance. Last evaluated: 2023-05-27. Review status: criteria provided, single submitter. Criteria: GeneDx Variant Classification Process June 2021. Collection method: clinical testing. Allele origin: germline. Affected: yes.
Comment: Not observed at significant frequency in large population cohorts (gnomAD); In silico analysis supports that this missense variant does not alter protein structure/function; Has not been previously published as pathogenic or benign to our knowledge

NM_130839.5(UBE3A):c.980A>C (p.Lys327Thr)

Genes: SNHG14 (small nucleolar RNA host gene 14; plus strand), UBE3A (ubiquitin protein ligase E3A; minus strand). Cytogenetic location: 15q11.2.
Variant type: single nucleotide variant.
Coding change: c.980A>C on transcript NM_130839.5 (MANE Select); coding-DNA position 980, A replaced by C.
Protein change: p.Lys327Thr; replaces lysine 327 with threonine.
Molecular consequence: missense variant. On other transcripts: non-coding transcript variant (1), intron variant (2).
Genome position (GRCh38, 1-based): chr15:25,371,194, T>G on the plus strand (A>C on the coding strand, the complement: UBE3A is on the minus strand). VCF-style: chr15-25371194-T-G. GRCh37 (hg19) VCF-style: chr15-25616341-T-G.
Other names: c.920A>C, p.Lys307Thr (NM_001354512.2, NM_001354513.2, NM_001354523.2 and 17 more transcripts); c.980A>C, p.Lys327Thr (NM_001354538.2, NM_001354545.2, NM_001354505.1); c.803A>C, p.Lys268Thr (NM_001354546.2); c.301+4271A>C (NM_001354551.2); c.361+4271A>C (NM_001354550.2); c.989A>C, p.Lys330Thr (NM_000462.5); short protein forms K268T, K307T, K327T, K330T.
Identifiers: ClinVar variation 3362223 (VCV003362223.1).
Genomic context (GRCh38, chr15:25,371,194, plus strand): 5'-TTATAAGTAATAAGTTGCTGAAATGTCTCCATCATTCTCCGAATCTGGTCTGCATTGTAT[T>G]TAGACCACAGTCTGATCAGTTTTCCTTGGGCTGCAAGGGGTAGCTTGCTCATCGCTTTGC-3'
Protein context (NP_570854.1, residues 317-337): AQGKLIRLWS[Lys327Thr]YNADQIRRMM